The following is an entry in ClinVar:

ClinVar aggregate classification (germline): Uncertain significance. Review status: criteria provided, multiple submitters, no conflicts (2 of 4 stars). 6 submissions from 6 submitters: Uncertain significance (5). 1 of the submissions does not count toward it. Last evaluated 2026-02-09.

Conditions:
PCDH15-related disorder. Also called: PCDH15-related condition; PCDH15-related disorders.
Usher syndrome type 1F (USH1F). Also called: USHER SYNDROME, TYPE IF. Identifiers: Orphanet 231169, Orphanet 886, MedGen C1865885, MONDO:0011186, OMIM 602083.
Inborn genetic diseases. Identifiers: MedGen C0950123, MeSH D030342.
Usher syndrome type 1 (USH1). Also called: RETINITIS PIGMENTOSA AND CONGENITAL DEAFNESS. Identifiers: Orphanet 231169, Orphanet 886, MedGen C1568247, MONDO:0010168, OMIM 276900.

Allele frequency attached by ClinVar (database versions not stated): ExAC 0.00004; gnomAD exomes 0.00004; TOPMed 0.00005; gnomAD 0.00007 and 0.00008; ESP Exome Variant Server 0.00008.
gnomAD v4.1: 138 of 1,613,736 alleles (0.0086%); highest among the groups gnomAD compares: Non-Finnish European, 0.011%; no homozygotes.

Submissions (6):

PreventionGenetics, part of Exact Sciences
Classification: Uncertain significance for PCDH15-related condition. Last evaluated: 2026-02-09. Review status: criteria provided, single submitter. Criteria: ACMG Guidelines, 2015. Collection method: clinical testing. Allele origin: germline.
Comment: The PCDH15 c.2807C>T variant is predicted to result in the amino acid substitution p.Ala936Val. To our knowledge, this variant has not been reported in the literature. This variant is reported in 0.0085% of alleles in individuals of European (Non-Finnish) descent in gnomAD. At this time, the clinical significance of this variant is uncertain due to the absence of conclusive functional and genetic evidence.

Labcorp Genetics (formerly Invitae), Labcorp
Classification: Uncertain significance. Last evaluated: 2026-01-08. Review status: criteria provided, single submitter. Criteria: Invitae Variant Classification Sherloc (09022015). Collection method: clinical testing. Allele origin: germline.
Comment: This sequence change replaces alanine, which is neutral and non-polar, with valine, which is neutral and non-polar, at codon 936 of the PCDH15 protein (p.Ala936Val). This variant is present in population databases (rs369029215, gnomAD 0.009%). This variant has not been reported in the literature in individuals affected with PCDH15-related conditions. ClinVar contains an entry for this variant (Variation ID: 300185). Invitae Evidence Modeling of protein sequence and biophysical properties (such as structural, functional, and spatial information, amino acid conservation, physicochemical variation, residue mobility, and thermodynamic stability) indicates that this missense variant is not expected to disrupt PCDH15 protein function with a negative predictive value of 95%. In summary, the available evidence is currently insufficient to determine the role of this variant in disease. Therefore, it has been classified as a Variant of Uncertain Significance.

Ambry Genetics
Classification: Uncertain significance for Inborn genetic diseases. Last evaluated: 2025-08-28. Review status: criteria provided, single submitter. Criteria: Ambry Variant Classification Scheme 2023. Collection method: clinical testing. Allele origin: germline.

Blueprint Genetics
Classification: Uncertain significance. Last evaluated: 2023-07-03. Review status: criteria provided, single submitter. Criteria: ACMG Guidelines, 2015. Collection method: clinical testing. Allele origin: germline.

Illumina Laboratory Services, Illumina
Classification: Uncertain significance for Usher syndrome type 1. Last evaluated: 2018-01-12. Review status: criteria provided, single submitter. Criteria: ICSL Variant Classification Criteria 13 December 2019. Collection method: clinical testing. Allele origin: germline.

Natera, Inc.
Classification: Uncertain significance for Usher syndrome type 1F. Last evaluated: 2019-11-11. Review status: no assertion criteria provided. Collection method: clinical testing. Allele origin: germline. Not counted in ClinVar's aggregate classification.

NM_001384140.1(PCDH15):c.2807C>T (p.Ala936Val)

Gene: PCDH15 (protocadherin related 15; minus strand). Cytogenetic location: 10q21.1.
Variant type: single nucleotide variant.
Coding change: c.2807C>T on transcript NM_001384140.1 (MANE Select); coding-DNA position 2807, C replaced by T.
Protein change: p.Ala936Val; replaces alanine 936 with valine.
Molecular consequence: missense variant.
Genome position (GRCh38, 1-based): chr10:53,995,710, G>A on the plus strand (C>T on the coding strand, the complement: PCDH15 is on the minus strand). VCF-style: chr10-53995710-G-A. GRCh37 (hg19) VCF-style: chr10-55755470-G-A.
Other names: c.2822C>T, p.Ala941Val (NM_001142763.2, NM_001142771.2); c.2807C>T, p.Ala936Val (NM_001142764.2, NM_001142766.2, NM_001142770.3 and 5 more transcripts); c.2594C>T, p.Ala865Val (NM_001142765.2); c.2696C>T, p.Ala899Val (NM_001142767.2); c.2741C>T, p.Ala914Val (NM_001142768.2, NM_001142773.2, NM_001354404.2); c.2843C>T, p.Ala948Val (NM_001142769.4); c.2828C>T, p.Ala943Val (NM_001354411.2); short protein forms A936V, A914V, A941V, A943V, A899V, A948V, A865V.
Identifiers: ClinVar variation 300185 (VCV000300185.13), dbSNP rs369029215, ClinGen allele CA5505921.